The following is an entry in ClinVar:

ClinVar aggregate classification (germline): Likely pathogenic (3 of 4 stars; one submission).

Conditions:
Phenylketonuria (PKU). Also called: OLIGOPHRENIA PHENYLPYRUVICA; Phenylketonurias; Phenylketonuria (PKU); FOLLING DISEASE. Identifiers: Orphanet 716, MedGen C0031485, MONDO:0009861, OMIM 261600. Disease mechanism: loss of function.

Submission:

ClinGen PAH Variant Curation Expert Panel
Classification: Likely pathogenic for Phenylketonuria. Last evaluated: 2020-05-18. Review status: reviewed by expert panel. Criteria: ClinGen PAH ACMG Specifications v1. Collection method: curation. Allele origin: germline. Inheritance: Autosomal recessive inheritance.
Comment: The c.970-1G>T variant in PAH is a canonical splice-site variant predicted to lead to skipping of exon 10 (PVS1_Strong). It is absent from ethnically diverse control databases, including gnomAD/ExAC, 1000 Genomes, and ESP (PM2). It has been reported in two probands with classic PKU (as defined by abnormal blood Phe levels) (PMID: 27469133); BH4 deficiency does not appear to have been excluded, and there does not appear to be further genotype-level information (PP4). Classification: Likely Pathogenic Supporting Criteria: PVS1_Strong; PM2; PP4

NM_000277.3(PAH):c.970-1G>T

Gene: PAH (phenylalanine hydroxylase; minus strand). Cytogenetic location: 12q23.2.
Variant type: single nucleotide variant.
Coding change: c.970-1G>T on transcript NM_000277.3 (MANE Select); the canonical splice acceptor site of the intron before coding-DNA position 970, G replaced by T.
Molecular consequence: splice acceptor variant.
Genome position (GRCh38, 1-based): chr12:102,844,432, C>A on the plus strand (G>T on the coding strand, the complement: PAH is on the minus strand). VCF-style: chr12-102844432-C-A. GRCh37 (hg19) VCF-style: chr12-103238210-C-A.
Other names: c.970-1G>T (NM_001354304.2).
Identifiers: ClinVar variation 932271 (VCV000932271.1), dbSNP rs202183605, ClinGen allele CA16020910.